The following is an entry in ClinVar:

NM_015443.4(KANSL1):c.3298C>G (p.Gln1100Glu)

Gene: KANSL1 (KAT8 regulatory NSL complex subunit 1). Cytogenetic location: 17q21.31.
Variant type: single nucleotide variant.
Coding change: c.3298C>G on transcript NM_015443.4 (MANE Select); coding-DNA position 3298, C replaced by G.
Protein change: p.Gln1100Glu; replaces glutamine 1100 with glutamic acid.
Molecular consequence: missense variant.
Genome position (GRCh38, 1-based): chr17:46,031,496, G>C on the plus strand (C>G on the coding strand, the complement: KANSL1 is on the minus strand). VCF-style: chr17-46031496-G-C. GRCh37 (hg19) VCF-style: chr17-44108862-G-C.
Other names: p.Q1100E:CAG>GAG; c.3295C>G, p.Gln1099Glu (NM_001193465.2); c.3298C>G, p.Gln1100Glu (NM_001193466.2, NM_001379198.1); short protein forms Q1100E, Q1099E.
Identifiers: ClinVar variation 205801 (VCV000205801.7), dbSNP rs796052598, ClinGen allele CA315229.

ClinVar aggregate classification (germline): Uncertain significance. Review status: criteria provided, multiple submitters, no conflicts (2 of 4 stars). 3 submissions from 3 submitters: Uncertain significance (3). Last evaluated 2022-09-02.

Conditions:
Koolen-de Vries syndrome (KDVS). Identifiers: Orphanet 96169, MedGen C1864871, MONDO:0012496, OMIM 610443.

Allele frequency attached by ClinVar (database versions not stated): TOPMed below 0.00001.

Submissions (3):

Baylor Genetics
Classification: Uncertain significance for Koolen-de Vries syndrome. Last evaluated: 2022-09-02. Review status: criteria provided, single submitter. Criteria: ACMG Guidelines, 2015. Collection method: clinical testing. Allele origin: unknown.

Labcorp Genetics (formerly Invitae), Labcorp
Classification: Uncertain significance for Koolen-de Vries syndrome. Last evaluated: 2022-05-17. Review status: criteria provided, single submitter. Criteria: Invitae Variant Classification Sherloc (09022015). Collection method: clinical testing. Allele origin: germline.
Comment: This sequence change replaces glutamine, which is neutral and polar, with glutamic acid, which is acidic and polar, at codon 1100 of the KANSL1 protein (p.Gln1100Glu). This variant is not present in population databases (gnomAD no frequency). This variant has not been reported in the literature in individuals affected with KANSL1-related conditions. ClinVar contains an entry for this variant (Variation ID: 205801). Algorithms developed to predict the effect of missense changes on protein structure and function are either unavailable or do not agree on the potential impact of this missense change (SIFT: "Tolerated"; PolyPhen-2: "Possibly Damaging"; Align-GVGD: "Class C0"). In summary, the available evidence is currently insufficient to determine the role of this variant in disease. Therefore, it has been classified as a Variant of Uncertain Significance.

GeneDx
Classification: Uncertain significance. Last evaluated: 2014-07-28. Review status: criteria provided, single submitter. Criteria: GeneDx Variant Classification (06012015). Collection method: clinical testing. Allele origin: germline. Affected: yes.
Comment: This variant is denoted p.Gln1100Glu (CAG>GAG): c.3298 C>G in exon 15 of the KANSL1 gene (NM_001193466.1). The Q1100E variant has not been published as a mutation, nor has it been reported as a benign polymorphism to our knowledge. It was not observed in approximately 6,500 individuals of European and African American ancestry in the NHLBI Exome Sequencing Project, indicating it is not a common benign variant in these populations. The Q1100E variant is a semi-conservative amino acid substitution, which may impact secondary protein structure as these residues differ in some properties. However, this substitution occurs at a position that is not conserved across species. In addition, in silico analysis is inconsistent in its predictions as to whether or not the variant is damaging to the protein structure/function. Therefore, based on the currently available information, it is unclear whether this variant is a pathogenic mutation or a rare benign variant. The variant is found in PME-EPI panel(s).